The following is an entry in ClinVar:

ClinVar aggregate classification (germline): Uncertain significance (1 of 4 stars; one submission).

gnomAD v4.1: 5 of 1,614,016 alleles (0.00031%); highest among the groups gnomAD compares: African/African-American, 0.0067%; no homozygotes.

Submission:

Labcorp Genetics (formerly Invitae), Labcorp
Classification: Uncertain significance. Last evaluated: 2025-05-18. Review status: criteria provided, single submitter. Criteria: Invitae Variant Classification Sherloc (09022015). Collection method: clinical testing. Allele origin: germline.
Comment: This sequence change replaces tryptophan, which is neutral and slightly polar, with glycine, which is neutral and non-polar, at codon 1076 of the SPTB protein (p.Trp1076Gly). This variant is present in population databases (rs756334913, gnomAD 0.01%). This variant has not been reported in the literature in individuals affected with SPTB-related conditions. An algorithm developed to predict the effect of missense changes on protein structure and function (PolyPhen-2) suggests that this variant is likely to be disruptive. In summary, the available evidence is currently insufficient to determine the role of this variant in disease. Therefore, it has been classified as a Variant of Uncertain Significance.

NM_001355436.2(SPTB):c.3226T>G (p.Trp1076Gly)

Gene: SPTB (spectrin beta, erythrocytic; minus strand). Cytogenetic location: 14q23.3.
Variant type: single nucleotide variant.
Coding change: c.3226T>G on transcript NM_001355436.2 (MANE Select); coding-DNA position 3226, T replaced by G.
Protein change: p.Trp1076Gly; replaces tryptophan 1076 with glycine.
Molecular consequence: missense variant.
Genome position (GRCh38, 1-based): chr14:64,786,739, A>C on the plus strand (T>G on the coding strand, the complement: SPTB is on the minus strand). VCF-style: chr14-64786739-A-C. GRCh37 (hg19) VCF-style: chr14-65253457-A-C.
Other names: c.3226T>G, p.Trp1076Gly (NM_001024858.4, NM_001355437.2); short protein forms W1076G.
Identifiers: ClinVar variation 4777916 (VCV004777916.1).